The following is an entry in ClinVar:

NM_005477.3(HCN4):c.392T>C (p.Leu131Pro)

Gene: HCN4 (hyperpolarization activated cyclic nucleotide gated potassium channel 4; minus strand). Cytogenetic location: 15q24.1.
Variant type: single nucleotide variant.
Coding change: c.392T>C on transcript NM_005477.3 (MANE Select); coding-DNA position 392, T replaced by C.
Protein change: p.Leu131Pro; replaces leucine 131 with proline.
Molecular consequence: missense variant.
Genome position (GRCh38, 1-based): chr15:73,367,879, A>G on the plus strand (T>C on the coding strand, the complement: HCN4 is on the minus strand). VCF-style: chr15-73367879-A-G. GRCh37 (hg19) VCF-style: chr15-73660220-A-G.
Other names: short protein forms L131P.
Identifiers: ClinVar variation 3703619 (VCV003703619.2).
Genomic context (GRCh38, chr15:73,367,879, plus strand): 5'-TCGGCCGCCAGGCCTGGGGGCGTCCTGTCCTCGCCGGGGGACGCGTCGCCCTCGGCGATG[A>G]GCCGCCGCTCCTCCGCGGAGTCATGCAGGTGTCCGTGACTGCTGCCGCTCCCCGTGCCGC-3'
Protein context (NP_005468.1, residues 121-141): HLHDSAEERR[Leu131Pro]IAEGDASPGE

ClinVar aggregate classification (germline): Uncertain significance (1 of 4 stars; one submission).

Conditions:
Brugada syndrome 8 (BRGDA8). Identifiers: Orphanet 130, MedGen C2751083, MONDO:0013148, OMIM 613123.

Submission:

Labcorp Genetics (formerly Invitae), Labcorp
Classification: Uncertain significance for Brugada syndrome 8. Last evaluated: 2024-07-16. Review status: criteria provided, single submitter. Criteria: Invitae Variant Classification Sherloc (09022015). Collection method: clinical testing. Allele origin: germline.
Comment: This sequence change replaces leucine, which is neutral and non-polar, with proline, which is neutral and non-polar, at codon 131 of the HCN4 protein (p.Leu131Pro). This variant is not present in population databases (gnomAD no frequency). This variant has not been reported in the literature in individuals affected with HCN4-related conditions. Experimental studies and prediction algorithms are not available or were not evaluated, and the functional significance of this variant is currently unknown. In summary, the available evidence is currently insufficient to determine the role of this variant in disease. Therefore, it has been classified as a Variant of Uncertain Significance.